The following is an entry in ClinVar:

ClinVar aggregate classification (germline): Uncertain significance (1 of 4 stars; one submission).

Submission:

Labcorp Genetics (formerly Invitae), Labcorp
Classification: Uncertain significance. Last evaluated: 2021-09-27. Review status: criteria provided, single submitter. Criteria: Invitae Variant Classification Sherloc (09022015). Collection method: clinical testing. Allele origin: germline.
Comment: This sequence change replaces glutamine with arginine at codon 24 of the COL7A1 protein (p.Gln24Arg). The glutamine residue is moderately conserved and there is a small physicochemical difference between glutamine and arginine. This variant is not present in population databases (ExAC no frequency). This variant has not been reported in the literature in individuals affected with COL7A1-related conditions. Advanced modeling of protein sequence and biophysical properties (such as structural, functional, and spatial information, amino acid conservation, physicochemical variation, residue mobility, and thermodynamic stability) performed at Invitae indicates that this missense variant is not expected to disrupt COL7A1 protein function. In summary, the available evidence is currently insufficient to determine the role of this variant in disease. Therefore, it has been classified as a Variant of Uncertain Significance.

NM_000094.4(COL7A1):c.71A>G (p.Gln24Arg)

Gene: COL7A1 (collagen type VII alpha 1 chain; minus strand). Cytogenetic location: 3p21.31.
Variant type: single nucleotide variant.
Coding change: c.71A>G on transcript NM_000094.4 (MANE Select); coding-DNA position 71, A replaced by G.
Protein change: p.Gln24Arg; replaces glutamine 24 with arginine.
Molecular consequence: missense variant.
Genome position (GRCh38, 1-based): chr3:48,595,089, T>C on the plus strand (A>G on the coding strand, the complement: COL7A1 is on the minus strand). VCF-style: chr3-48595089-T-C. GRCh37 (hg19) VCF-style: chr3-48632522-T-C.
Other names: short protein forms Q24R.
Identifiers: ClinVar variation 1972068 (VCV001972068.2), dbSNP rs929295360, ClinGen allele CA352750243.